The following is an entry in ClinVar:

ClinVar aggregate classification (germline): Likely pathogenic (1 of 4 stars; one submission).

Conditions:
Corticosterone methyl oxidase type II deficiency.

Submission:

Natera, Inc.
Classification: Likely pathogenic for Corticosterone methyl oxidase type II deficiency. Last evaluated: 2025-08-09. Review status: criteria provided, single submitter. Criteria: Natera Variant Classification Schema (03/2026). Collection method: clinical testing. Allele origin: germline.
Comment: The c.167G>A variant in CYP11B2 is a nonsense variant predicted to introduce a stop codon at amino acid 56. This variant is expected to result in nonsense mediated decay, truncation, or a dysfunctional protein product. This variant is rare in the general population with a frequency below the threshold expected for the associated phenotype(s). Given the available evidence, this variant is classified as Likely Pathogenic.

NM_000498.3(CYP11B2):c.167G>A (p.Trp56Ter)

Genes: CYP11B2 (cytochrome P450 family 11 subfamily B member 2; minus strand), LOC106799834 (CYP11B2 recombination region; plus strand). Cytogenetic location: 8q24.3.
Variant type: single nucleotide variant.
Coding change: c.167G>A on transcript NM_000498.3 (MANE Select); coding-DNA position 167, G replaced by A.
Protein change: p.Trp56Ter; replaces tryptophan 56 with a stop codon.
Molecular consequence: nonsense.
Genome position (GRCh38, 1-based): chr8:142,917,674, C>T on the plus strand (G>A on the coding strand, the complement: CYP11B2 is on the minus strand). VCF-style: chr8-142917674-C-T. GRCh37 (hg19) VCF-style: chr8-143999090-C-T.
Other names: short protein forms W56*.
Identifiers: ClinVar variation 4818603 (VCV004818603.1).